The following is an entry in ClinVar:

NM_152594.3(SPRED1):c.124G>A (p.Val42Ile)

Gene: SPRED1 (sprouty related EVH1 domain containing 1; plus strand). Cytogenetic location: 15q14.
Variant type: single nucleotide variant.
Coding change: c.124G>A on transcript NM_152594.3 (MANE Select); coding-DNA position 124, G replaced by A.
Protein change: p.Val42Ile; replaces valine 42 with isoleucine.
Molecular consequence: missense variant.
Genome position (GRCh38, 1-based): chr15:38,299,464, G>A. VCF-style: chr15-38299464-G-A. GRCh37 (hg19) VCF-style: chr15-38591665-G-A.
Other names: p.V42I:GTC>ATC; short protein forms V42I.
Identifiers: ClinVar variation 47965 (VCV000047965.39), dbSNP rs147204964, ClinGen allele CA142270.

ClinVar aggregate classification (germline): Conflicting classifications of pathogenicity. Review status: criteria provided, conflicting classifications (1 of 4 stars). 9 submissions from 9 submitters: Uncertain significance (2); Benign (2); Likely benign (5). Last evaluated 2026-01-14.

Conditions:
Noonan syndrome and Noonan-related syndrome. Identifiers: Orphanet 98733, MedGen C5681679, MONDO:0020297.
Cardiovascular phenotype. Identifiers: MedGen CN230736.
Legius syndrome. Identifiers: Orphanet 137605, MedGen C1969623, MONDO:0012669, OMIM 611431. Disease mechanism: loss of function.

Allele frequency attached by ClinVar (database versions not stated): TOPMed 0.00020; gnomAD exomes 0.00028 and 0.00061; gnomAD 0.00030 and 0.00017; ESP Exome Variant Server 0.00038; ExAC 0.00069; 1000 Genomes Project 30x 0.00156; 1000 Genomes Project 0.00160.
gnomAD v4.1: 479 of 1,614,004 alleles (0.03%); highest among the groups gnomAD compares: South Asian, 0.33%; 4 homozygotes.

Submissions (9):

Labcorp Genetics (formerly Invitae), Labcorp
Classification: Likely benign for Legius syndrome. Last evaluated: 2026-01-14. Review status: criteria provided, single submitter. Criteria: Invitae Variant Classification Sherloc (09022015). Collection method: clinical testing. Allele origin: germline.

Revvity Omics, Revvity
Classification: Uncertain significance for Legius syndrome. Last evaluated: 2025-04-03. Review status: criteria provided, single submitter. Criteria: ACMG Guidelines, 2015. Collection method: clinical testing. Allele origin: germline.

CeGaT Center for Human Genetics Tuebingen
Classification: Likely benign. Last evaluated: 2024-11-01. Review status: criteria provided, single submitter. Criteria: CeGaT Center For Human Genetics Tuebingen Variant Classification Criteria Version 2. Collection method: clinical testing. Allele origin: germline. Affected: yes. Observed: 1 variant allele.
Comment: SPRED1: PM5, BS1, BS2

Blueprint Genetics
Classification: Likely benign. Last evaluated: 2024-05-29. Review status: criteria provided, single submitter. Criteria: ACMG Guidelines, 2015. Collection method: clinical testing. Allele origin: germline.

GeneDx
Classification: Uncertain significance. Last evaluated: 2022-10-24. Review status: criteria provided, single submitter. Criteria: GeneDx Variant Classification Process June 2021. Collection method: clinical testing. Allele origin: germline. Affected: yes.
Comment: In silico analysis supports that this missense variant does not alter protein structure/function; Reported in individuals with multiple cafe-au-lait macules, however, one individual also harbored a pathogenic variant in the NF2 gene and inheritance from an unaffected parent was seen in another individual; the authors felt V42I was benign (Hirata et al., 2016); Reported in individuals with multiple cafe-au-lait macules; authors do not classify the variant (Spencer et al., 2011); This variant is associated with the following publications: (PMID: 24469042, 24334617, 22753041, 31401120, 26635368, 21548021)

Ambry Genetics
Classification: Likely benign for Cardiovascular phenotype. Last evaluated: 2021-02-10. Review status: criteria provided, single submitter. Criteria: Ambry Variant Classification Scheme 2023. Collection method: clinical testing. Allele origin: germline.

Genome Diagnostics Laboratory, The Hospital for Sick Children
Classification: Benign for Noonan syndrome and Noonan-related syndrome. Last evaluated: 2020-09-14. Review status: criteria provided, single submitter. Criteria: ACMG Guidelines, 2015. Collection method: clinical testing. Allele origin: germline.

Women's Health and Genetics/Laboratory Corporation of America, LabCorp
Classification: Benign. Last evaluated: 2017-04-17. Review status: criteria provided, single submitter. Criteria: LabCorp Variant Classification Summary - May 2015. Collection method: clinical testing. Allele origin: germline.
Comment: Variant summary: The SPRED1 c.124G>A (p.Val42Ile) variant involves the alteration of a conserved nucleotide, resulting in a missense substitution. The variant lies within the WH1/EVH1 domain and the PH domain-like (InterPro). 3/4 in silico tools predict a damaging outcome for this variant (SNPs&GO not captured due to low reliability index). This variant was found in the large control database ExAC in 84/121220 control chromosomes from all ethnicities, but was predominantly observed in the South Asian subpopulation at a frequency of 0.003998 (66/16508 with 2 homozygotes). This frequency is about 1599 times the estimated maximal expected allele frequency of a pathogenic SPRED1 variant (0.0000025), which is very strong evidence that this is likely a benign polymorphism found primarily in the populations of South Asian origin. Multiple clinical diagnostic laboratories/reputable databases have classified this variant with conflicting interpretations (uncertain significance and likely benign); however, both reports in ClinVar used the ESP database during interpretation, where the variant had not been identified or identified at a very low frequency. The ExAC database, which is approximately 10 times larger than the ESP, shows a relatively high frequency of the variant, including homozygotes in the South Asian subpopulation, strongly supporting this variant as a benign polymorphism. LMM describes a Noonan-syndrome spectrum patient in their lab who was found to carry the variant, along with a de novo BRAF variant, and an unaffected parent also carried the variant of interest, further evidence for the benign nature of the variant. Taken together, this variant is classified as benign.

Laboratory for Molecular Medicine, Mass General Brigham Personalized Medicine
Classification: Likely benign. Last evaluated: 2012-07-26. Review status: criteria provided, single submitter. Criteria: LMM Criteria. Collection method: clinical testing. Allele origin: germline. Observed: 2 variant alleles.
Comment: Val42Ile in exon 02 of SPRED1: The Val42Ile variant in SPRED1 was reported in on e individual with Legius syndrome (Spencer 2011). In addition, this variant has been identi fied in 0.07% (3/4400) of African American chromosomes from a broad population b y the NHLBI Exome Sequencing Project (dbSNP r s147204964). Computational analyses (biochemical amino acid properties, conserv ation, AlignGVGD, PolyPhen2, and SIFT) do not provide strong support for or agai nst an impact to the protein. In summary, the Val42Ile variant is likely benign.

Literature cited by the submitters: PubMed 26635368 (cited by Women's Health and Genetics/Laboratory Corporation of America, LabCorp); PubMed 22753041 (cited by Women's Health and Genetics/Laboratory Corporation of America, LabCorp); PubMed 24469042 (cited by Women's Health and Genetics/Laboratory Corporation of America, LabCorp); PubMed 21548021 (cited by Laboratory for Molecular Medicine, Mass General Brigham Personalized Medicine).